The following is an entry in ClinVar:

ClinVar aggregate classification (germline): Uncertain significance. Review status: criteria provided, multiple submitters, no conflicts (2 of 4 stars). 2 submissions from 2 submitters: Uncertain significance (2). Last evaluated 2025-08-14.

Conditions:
Inborn genetic diseases. Identifiers: MedGen C0950123, MeSH D030342.

gnomAD v4.1: 53 of 1,614,234 alleles (0.0033%); highest among the groups gnomAD compares: Non-Finnish European, 0.0043%; no homozygotes.

Submissions (2):

Ambry Genetics
Classification: Uncertain significance for Inborn genetic diseases. Last evaluated: 2025-08-14. Review status: criteria provided, single submitter. Criteria: Ambry Variant Classification Scheme 2023. Collection method: clinical testing. Allele origin: germline.

Labcorp Genetics (formerly Invitae), Labcorp
Classification: Uncertain significance. Last evaluated: 2025-01-28. Review status: criteria provided, single submitter. Criteria: Invitae Variant Classification Sherloc (09022015). Collection method: clinical testing. Allele origin: germline.
Comment: This sequence change replaces serine, which is neutral and polar, with cysteine, which is neutral and slightly polar, at codon 266 of the ZBTB18 protein (p.Ser266Cys). This variant is present in population databases (rs754058094, gnomAD 0.002%). This variant has not been reported in the literature in individuals affected with ZBTB18-related conditions. Invitae Evidence Modeling of protein sequence and biophysical properties (such as structural, functional, and spatial information, amino acid conservation, physicochemical variation, residue mobility, and thermodynamic stability) indicates that this missense variant is not expected to disrupt ZBTB18 protein function with a negative predictive value of 95%. In summary, the available evidence is currently insufficient to determine the role of this variant in disease. Therefore, it has been classified as a Variant of Uncertain Significance.

NM_205768.3(ZBTB18):c.797C>G (p.Ser266Cys)

Gene: ZBTB18 (zinc finger and BTB domain containing 18; plus strand). Cytogenetic location: 1q44.
Variant type: single nucleotide variant.
Coding change: c.797C>G on transcript NM_205768.3 (MANE Select); coding-DNA position 797, C replaced by G.
Protein change: p.Ser266Cys; replaces serine 266 with cysteine.
Molecular consequence: missense variant. On other transcripts: intron variant (1).
Genome position (GRCh38, 1-based): chr1:244,054,571, C>G. VCF-style: chr1-244054571-C-G. GRCh37 (hg19) VCF-style: chr1-244217873-C-G.
Other names: c.702-17C>G (NM_001421566.1); c.797C>G (NM_205768.2); c.770C>G, p.Ser257Cys (NM_001278196.2, NM_006352.5); short protein forms S257C, S266C.
Identifiers: ClinVar variation 3682952 (VCV003682952.3).